The following is an entry in ClinVar:

NM_001829.4(CLCN3):c.*465T>C

Gene: CLCN3 (Cl-/H+ antiporter 3; plus strand). Cytogenetic location: 4q33.
Variant type: single nucleotide variant.
Coding change: c.*465T>C on transcript NM_001829.4 (MANE Select); 465 bases downstream of the stop codon, T replaced by C.
Molecular consequence: 3 prime UTR variant.
Genome position (GRCh38, 1-based): chr4:169,720,462, T>C. VCF-style: chr4-169720462-T-C. GRCh37 (hg19) VCF-style: chr4-170641613-T-C.
Other names: c.*465T>C (NM_001243372.2, NM_001243374.2); c.*397T>C (NM_173872.4).
Identifiers: ClinVar variation 4845434 (VCV004845434.1).
Genomic context (GRCh38, chr4:169,720,462, plus strand): 5'-ACTTTGAATTGAGCCATCTATAAAACTGCAAGGTCTTGCCCTTTTTTTTAATCAAAACTG[T>C]TCTGTTTAATTCATGAATTGTATAGTTAAGCATTACCTTTCTACATTCCAGAAGAGCCTT-3'

ClinVar aggregate classification (germline): Uncertain significance (1 of 4 stars; one submission).

Submission:

Greenwood Genetic Center Diagnostic Laboratories, Greenwood Genetic Center
Classification: Uncertain significance. Last evaluated: 2025-10-30. Review status: criteria provided, single submitter. Criteria: ACMG Guidelines, 2015. Collection method: clinical testing. Allele origin: germline. Affected: yes.
Comment: PM2